The following is an entry in ClinVar:

ClinVar aggregate classification (germline): Uncertain significance (1 of 4 stars; one submission).

Conditions:
Immunodeficiency 14 (IMD14A). Also called: Activated PI3K Delta Syndrome Type 1 (APDS1); p110-DELTA-ACTIVATING MUTATION CAUSING SENESCENT T CELLS, LYMPHADENOPATHY, AND IMMUNODEFICIENCY; IMMUNODEFICIENCY 14A WITH LYMPHOPROLIFERATION, AUTOSOMAL DOMINANT; ACTIVATED PI3K-DELTA SYNDROME 1. Identifiers: Orphanet 397596, Orphanet 693661, MedGen C5907821, MONDO:0014222, OMIM 615513.

gnomAD v4.1: 7 of 1,613,332 alleles (0.00043%); highest among the groups gnomAD compares: Admixed American, 0.0017%; no homozygotes.

Submission:

Labcorp Genetics (formerly Invitae), Labcorp
Classification: Uncertain significance for Activated PI3K-delta syndrome. Last evaluated: 2024-10-15. Review status: criteria provided, single submitter. Criteria: Invitae Variant Classification Sherloc (09022015). Collection method: clinical testing. Allele origin: germline.
Comment: This sequence change replaces glutamic acid, which is acidic and polar, with aspartic acid, which is acidic and polar, at codon 448 of the PIK3CD protein (p.Glu448Asp). This variant is present in population databases (no rsID available, gnomAD 0.003%). This variant has not been reported in the literature in individuals affected with PIK3CD-related conditions. ClinVar contains an entry for this variant (Variation ID: 1998252). Invitae Evidence Modeling of protein sequence and biophysical properties (such as structural, functional, and spatial information, amino acid conservation, physicochemical variation, residue mobility, and thermodynamic stability) indicates that this missense variant is not expected to disrupt PIK3CD protein function with a negative predictive value of 80%. In summary, the available evidence is currently insufficient to determine the role of this variant in disease. Therefore, it has been classified as a Variant of Uncertain Significance.

NM_005026.5(PIK3CD):c.1344G>C (p.Glu448Asp)

Genes: PIK3CD (phosphatidylinositol-4,5-bisphosphate 3-kinase catalytic subunit delta; plus strand), LOC126805612 (MED14-independent group 3 enhancer GRCh37_chr1:9778914-9780113; plus strand). Cytogenetic location: 1p36.22.
Variant type: single nucleotide variant.
Coding change: c.1344G>C on transcript NM_005026.5 (MANE Select); coding-DNA position 1344, G replaced by C.
Protein change: p.Glu448Asp; replaces glutamic acid 448 with aspartic acid.
Molecular consequence: missense variant.
Genome position (GRCh38, 1-based): chr1:9,720,116, G>C. VCF-style: chr1-9720116-G-C. GRCh37 (hg19) VCF-style: chr1-9780174-G-C.
Other names: c.1344G>C, p.Glu448Asp (NM_001350234.2); c.1257G>C, p.Glu419Asp (NM_001350235.1); short protein forms E419D, E448D.
Identifiers: ClinVar variation 1998252 (VCV001998252.4), dbSNP rs1301530593, ClinGen allele CA338302676.
Genomic context (GRCh38, chr1:9,720,116, plus strand): 5'-GAGGGTCCCAGAGATGCTGGTCACCCCTCTACAACTTCATCTGCCCCTGTGTTCAGATGA[G>C]AAGGGCGAGCTGCTGAACCCCACGGGCACTGTGCGCAGTAACCCCAACACGGATAGCGCC-3'
Protein context (NP_005017.3, residues 438-458): CLYMWPSVPD[Glu448Asp]KGELLNPTGT